The following is an entry in ClinVar:

NM_005682.7(ADGRG1):c.769-283C>T

Gene: ADGRG1 (adhesion G protein-coupled receptor G1; plus strand). Cytogenetic location: 16q21.
Variant type: single nucleotide variant.
Coding change: c.769-283C>T on transcript NM_005682.7; 283 bases into the intron before coding-DNA position 769, C replaced by T.
Genome position (GRCh38, 1-based): chr16:57,655,116, C>T. VCF-style: chr16-57655116-C-T. GRCh37 (hg19) VCF-style: chr16-57689028-C-T.
Other names: c.769-283C>T (NM_001370440.1, NM_001370428.1, NM_001370436.1 and 16 more transcripts); c.259-283C>T (NM_001290142.2); c.244-283C>T (NM_001370451.1, NM_001290143.2, NM_001370453.1 and 2 more transcripts); c.613-283C>T (NM_001370442.1); c.784-283C>T (NM_001370433.1, NM_001145773.3).
Identifiers: ClinVar variation 683313 (VCV000683313.2), dbSNP rs7202126, ClinGen allele CA15870140.

ClinVar aggregate classification (germline): Benign (1 of 4 stars; one submission).

Allele frequency attached by ClinVar (database versions not stated): 1000 Genomes Project 0.46106; 1000 Genomes Project 30x 0.46814; gnomAD exomes 0.55503; gnomAD 0.55683 and 0.57021; TOPMed 0.56386.
gnomAD v4.1: 545,985 of 984,466 alleles (55%); highest among the groups gnomAD compares: African/African-American, 62%; 152,472 homozygotes.

Submission:

GeneDx
Classification: Benign. Last evaluated: 2018-06-14. Review status: criteria provided, single submitter. Criteria: GeneDx Variant Classification (06012015). Collection method: clinical testing. Allele origin: germline. Affected: yes.
Comment: This variant is considered likely benign or benign based on one or more of the following criteria: it is a conservative change, it occurs at a poorly conserved position in the protein, it is predicted to be benign by multiple in silico algorithms, and/or has population frequency not consistent with disease.